The following is an entry in ClinVar:

NM_001723.7(DST):c.5911G>C (p.Asp1971His)

Gene: DST (dystonin; minus strand). Cytogenetic location: 6p12.1.
Variant type: single nucleotide variant.
Coding change: c.5911G>C on transcript NM_001723.7 (MANE Plus Clinical); coding-DNA position 5911, G replaced by C.
Protein change: p.Asp1971His; replaces aspartic acid 1971 with histidine.
Molecular consequence: missense variant. On other transcripts: intron variant (10).
Genome position (GRCh38, 1-based): chr6:56,618,123, C>G on the plus strand (G>C on the coding strand, the complement: DST is on the minus strand). VCF-style: chr6-56618123-C-G. GRCh37 (hg19) VCF-style: chr6-56482921-C-G.
Other names: c.4831-3639G>C (NM_001144769.5); c.4930-3639G>C (NM_001374722.1, NM_001374736.1); c.4957-3639G>C (NM_001374734.1); c.4417-3639G>C (NM_001144770.2); c.4297-3639G>C (NM_001374730.1, NM_001386100.1, NM_183380.4 and 1 more transcripts); c.3319-3639G>C (NM_015548.5); short protein forms D1971H.
Identifiers: ClinVar variation 566950 (VCV000566950.9), dbSNP rs369745616, ClinGen allele CA3870282.

ClinVar aggregate classification (germline): Uncertain significance (1 of 4 stars; one submission).

Conditions:
Epidermolysis bullosa simplex 3, localized or generalized intermediate, with BP230 deficiency (EBS3). Also called: Epidermolysis bullosa simplex due to BP230 deficiency; Epidermolysis bullosa simplex, autosomal recessive 2. Identifiers: Orphanet 412181, MedGen C3809470, MONDO:0014180, OMIM 615425.
Hereditary sensory and autonomic neuropathy type 6. Also called: HSAN VI; Neuropathy, hereditary sensory and autonomic, type VI. Identifiers: Orphanet 314381, MedGen C3539003, MONDO:0013839, OMIM 614653.

Allele frequency attached by ClinVar (database versions not stated): TOPMed below 0.00001; gnomAD 0.00001.
gnomAD v4.1: 17 of 1,613,996 alleles (0.0011%); highest among the groups gnomAD compares: Non-Finnish European, 0.0014%; no homozygotes.

Submission:

Labcorp Genetics (formerly Invitae), Labcorp
Classification: Uncertain significance for Epidermolysis bullosa simplex 3, localized or generalized intermediate, with BP230 deficiency; Hereditary sensory and autonomic neuropathy type 6. Last evaluated: 2024-02-26. Review status: criteria provided, single submitter. Criteria: Invitae Variant Classification Sherloc (09022015). Collection method: clinical testing. Allele origin: germline.
Comment: This sequence change replaces aspartic acid, which is acidic and polar, with histidine, which is basic and polar, at codon 1971 of the DST protein (p.Asp1971His). This variant is present in population databases (rs369745616, gnomAD 0.007%). This variant has not been reported in the literature in individuals affected with DST-related conditions. ClinVar contains an entry for this variant (Variation ID: 566950). An algorithm developed to predict the effect of missense changes on protein structure and function (PolyPhen-2) suggests that this variant is likely to be disruptive. In summary, the available evidence is currently insufficient to determine the role of this variant in disease. Therefore, it has been classified as a Variant of Uncertain Significance.